The following is an entry in ClinVar:

NM_006218.4(PIK3CA):c.1949T>C (p.Val650Ala)

Gene: PIK3CA (phosphatidylinositol-4,5-bisphosphate 3-kinase catalytic subunit alpha; plus strand). Cytogenetic location: 3q26.32.
Variant type: single nucleotide variant.
Coding change: c.1949T>C on transcript NM_006218.4 (MANE Select); coding-DNA position 1949, T replaced by C.
Protein change: p.Val650Ala; replaces valine 650 with alanine.
Molecular consequence: missense variant.
Genome position (GRCh38, 1-based): chr3:179,219,986, T>C. VCF-style: chr3-179219986-T-C. GRCh37 (hg19) VCF-style: chr3-178937774-T-C.
Other names: c.1949T>C (LRG_310t1); short protein forms V650A.
Identifiers: ClinVar variation 526632 (VCV000526632.8), dbSNP rs1553823718, ClinGen allele CA355267200.

ClinVar aggregate classification (germline): Uncertain significance. Review status: criteria provided, multiple submitters, no conflicts (2 of 4 stars). 2 submissions from 2 submitters: Uncertain significance (2). Last evaluated 2023-06-07.

Conditions:
Inborn genetic diseases. Identifiers: MedGen C0950123, MeSH D030342.
Cowden syndrome (CS). Also called: Cowden's disease; Cowden's syndrome; Cowden disease. Identifiers: Orphanet 201, MedGen C0018553, MONDO:0016063. Disease mechanism: gain of function.

Allele frequency attached by ClinVar (database versions not stated): gnomAD exomes 0.00001.
gnomAD v4.1: 11 of 1,602,012 alleles (0.00069%); highest among the groups gnomAD compares: Non-Finnish European, 0.00094%; no homozygotes.

Submissions (2):

Ambry Genetics
Classification: Uncertain significance for Inborn genetic diseases. Last evaluated: 2023-06-07. Review status: criteria provided, single submitter. Criteria: Ambry Variant Classification Scheme 2023. Collection method: clinical testing. Allele origin: germline.
Comment: The p.V650A variant (also known as c.1949T>C), located in coding exon 12 of the PIK3CA gene, results from a T to C substitution at nucleotide position 1949. The valine at codon 650 is replaced by alanine, an amino acid with similar properties. This amino acid position is conserved. In addition, this alteration is predicted to be tolerated by in silico analysis. Since supporting evidence is limited at this time, the clinical significance of this alteration remains unclear.

Labcorp Genetics (formerly Invitae), Labcorp
Classification: Uncertain significance for Cowden syndrome. Last evaluated: 2021-09-01. Review status: criteria provided, single submitter. Criteria: Invitae Variant Classification Sherloc (09022015). Collection method: clinical testing. Allele origin: germline.
Comment: This sequence change replaces valine with alanine at codon 650 of the PIK3CA protein (p.Val650Ala). The valine residue is highly conserved and there is a small physicochemical difference between valine and alanine. This variant is not present in population databases (ExAC no frequency). This variant has not been reported in the literature in individuals affected with PIK3CA-related conditions. Algorithms developed to predict the effect of missense changes on protein structure and function (SIFT, PolyPhen-2, Align-GVGD) all suggest that this variant is likely to be tolerated. In summary, the available evidence is currently insufficient to determine the role of this variant in disease. Therefore, it has been classified as a Variant of Uncertain Significance.